The following is an entry in ClinVar:

ClinVar aggregate classification (germline): Conflicting classifications of pathogenicity. Review status: criteria provided, conflicting classifications (1 of 4 stars). 4 submissions from 4 submitters: Likely pathogenic (1); Uncertain significance (3). Last evaluated 2026-06-09.

Conditions:
Glutaric aciduria, type 1. Also called: GA I; Glutaryl-CoA dehydrogenase deficiency; Glutaricaciduria, type I; Glutaric Acidemia Type 1; Glutaric acidemia type I; Glutaricacidemia Type 1. Identifiers: Orphanet 25, MedGen C0268595, MONDO:0009281, OMIM 231670.

Allele frequency attached by ClinVar (database versions not stated): ExAC 0.00002; gnomAD 0.00002; TOPMed 0.00002.
gnomAD v4.1: 35 of 1,613,676 alleles (0.0022%); highest among the groups gnomAD compares: East Asian, 0.016%; no homozygotes.

Submissions (4):

Women's Health and Genetics/Laboratory Corporation of America, LabCorp
Classification: Uncertain significance. Last evaluated: 2026-06-09. Review status: criteria provided, single submitter. Criteria: LabCorp Variant Classification Summary - May 2015. Collection method: clinical testing. Allele origin: germline.
Comment: Variant summary: GCDH c.394C>T (p.Arg132Trp) results in a non-conservative amino acid change in the encoded protein sequence. Algorithms developed to predict the effect of missense changes on protein structure and function all suggest that this variant is likely to be disruptive. The variant allele was found at a frequency of 2.8e-05 in 251450 control chromosomes. The available data on variant occurrences in the general population are insufficient to allow any conclusion about variant significance. c.394C>T has not been observed in individual(s) affected with Glutaric Acidemia Type 1 and no experimental evidence demonstrating an impact on protein function has been reported. The following publication has been ascertained in the context of this evaluation (PMID: 37020324). ClinVar contains an entry for this variant (Variation ID: 1525604). Based on the evidence outlined above, the variant was classified as uncertain significance.

Myriad Genetics, Inc.
Classification: Uncertain significance for Glutaric aciduria, type 1. Last evaluated: 2026-03-31. Review status: criteria provided, single submitter. Criteria: Myriad Autosomal Dominant, Autosomal Recessive and X-Linked Classification Criteria (2023). Collection method: clinical testing. Allele origin: unknown.
Comment: NM_000159.2(GCDH):c.394C>T(R132W) is a missense variant classified as a variant of uncertain significance in the context of glutaric acidemia, GCDH-related. R132W has been observed in a case with relevant disease (NoPMID_Bhutada_2025). Relevant functional assessments of this variant are not available in the literature. R132W has been observed in referenced population frequency databases. In summary, there is insufficient evidence to classify NM_000159.2(GCDH):c.394C>T(R132W) as pathogenic or benign. Please note: this variant was assessed in the context of healthy population screening.

Labcorp Genetics (formerly Invitae), Labcorp
Classification: Likely pathogenic for Glutaric aciduria, type 1. Last evaluated: 2022-09-28. Review status: criteria provided, single submitter. Criteria: Invitae Variant Classification Sherloc (09022015). Collection method: clinical testing. Allele origin: germline.
Comment: This sequence change replaces arginine, which is basic and polar, with tryptophan, which is neutral and slightly polar, at codon 132 of the GCDH protein (p.Arg132Trp). This variant is present in population databases (rs372429120, gnomAD 0.02%). This variant has not been reported in the literature in individuals affected with GCDH-related conditions. ClinVar contains an entry for this variant (Variation ID: 1525604). Advanced modeling of protein sequence and biophysical properties (such as structural, functional, and spatial information, amino acid conservation, physicochemical variation, residue mobility, and thermodynamic stability) performed at Invitae indicates that this missense variant is not expected to disrupt GCDH protein function. This variant disrupts the p.Arg132 amino acid residue in GCDH. Other variant(s) that disrupt this residue have been determined to be pathogenic (PMID: 10699052, 10960496, 24332224). This suggests that this residue is clinically significant, and that variants that disrupt this residue are likely to be disease-causing. In summary, the currently available evidence indicates that the variant is pathogenic, but additional data are needed to prove that conclusively. Therefore, this variant has been classified as Likely Pathogenic.

Juno Genomics, Hangzhou Juno Genomics, Inc
Classification: Uncertain significance for Glutaric aciduria, type 1. Review status: criteria provided, single submitter. Criteria: ACMG Guidelines, 2015. Collection method: clinical testing. Allele origin: germline.
Comment: Absent from controls (or at extremely low frequency if recessive) in Genome Aggregation Database.;Multiple lines of computational evidence support a deleterious effect on the gene or gene product.;Novel missense change at an amino acid residue where a different missense change determined to be pathogenic has been seen before.

Literature cited by the submitters: PubMed 37020324 (cited by Women's Health and Genetics/Laboratory Corporation of America, LabCorp); PubMed 10699052 (cited by Labcorp Genetics (formerly Invitae), Labcorp); PubMed 10960496 (cited by Labcorp Genetics (formerly Invitae), Labcorp); PubMed 24332224 (cited by Labcorp Genetics (formerly Invitae), Labcorp).

NM_000159.4(GCDH):c.394C>T (p.Arg132Trp)

Gene: GCDH (glutaryl-CoA dehydrogenase; plus strand). Cytogenetic location: 19p13.13.
Variant type: single nucleotide variant.
Coding change: c.394C>T on transcript NM_000159.4 (MANE Select); coding-DNA position 394, C replaced by T.
Protein change: p.Arg132Trp; replaces arginine 132 with tryptophan.
Molecular consequence: missense variant. On other transcripts: non-coding transcript variant (2).
Genome position (GRCh38, 1-based): chr19:12,893,542, C>T. VCF-style: chr19-12893542-C-T. GRCh37 (hg19) VCF-style: chr19-13004356-C-T.
Other names: c.394C>T, p.Arg132Trp (NM_013976.5); short protein forms R132W.
Identifiers: ClinVar variation 1525604 (VCV001525604.8), dbSNP rs372429120, ClinGen allele CA9234381.